The following continues an entry in ClinVar:

NM_001126108.2(SLC12A3):c.1844C>T (p.Ser615Leu)

Gene: SLC12A3. ClinVar aggregate classification (germline): Pathogenic/Likely pathogenic. Pathogenic (12); Likely pathogenic (3).

Submissions 11 to 16 of 16:

Blueprint Genetics
Classification: Likely pathogenic for SLC12A3-related disorders. Last evaluated: 2022-08-25. Review status: criteria provided, single submitter. Criteria: ACMG Guidelines, 2015. Collection method: clinical testing. Allele origin: germline. Affected: yes. Observed: 5 variant alleles.

Genome-Nilou Lab
Classification: Pathogenic for Familial hypokalemia-hypomagnesemia. Last evaluated: 2021-07-15. Review status: criteria provided, single submitter. Criteria: ACMG Guidelines, 2015. Collection method: clinical testing. Allele origin: germline. Affected: no.

Division Of Personalized Genomic Medicine, Columbia University Irving Medical Center
Classification: Pathogenic for Familial hypokalemia-hypomagnesemia. Last evaluated: 2020-04-13. Review status: criteria provided, single submitter. Criteria: ACMG Guidelines, 2015. Collection method: clinical testing. Allele origin: germline. Inheritance: Autosomal recessive inheritance. Affected: yes. Observed: 1 compound heterozygote.
Comment: The c.1844C>T variant in the SLC12A3 gene is a heterozygous missense variant, which results in the substitution of the highly conserved serine residue at the 615 position to leucine (p.Ser615Leu). This variant localizes to coding exon 15 of the SLC12A3 gene (26 exons total; NM_000339.3). This variant is predicted to be deleterious and damaging to protein structure and/or function based on in silico analyses (PROVEAN and SIFT). This variant has been observed in the Genome Aggregation Database (gnomAD) at a very low frequency (allele frequency = 0.00004182, no homozygotes), indicating it is not a common benign variant in the populations represented in this database. This variant has been reported in multiple individuals with Gitelman syndrome either in the homozygous state or with another SLC12A3 variant (PMIDs: 11168953, 20552229, 30596175, 22728489, 22990302, 28251383, 17699451, 12112667, 27303630, 26770037). A different amino acid change at the same residue (p.S615W) has also been reported in an affected individual (PMID: 12112667).

Juno Genomics, Hangzhou Juno Genomics, Inc
Classification: Pathogenic for Familial hypokalemia-hypomagnesemia. Review status: criteria provided, single submitter. Criteria: ACMG Guidelines, 2015. Collection method: clinical testing. Allele origin: germline.
Comment: Absent from controls (or at extremely low frequency if recessive) in Genome Aggregation Database.;Multiple lines of computational evidence support a deleterious effect on the gene or gene product.;For recessive disorders, detected in trans with a pathogenic variant.;Patient's phenotype or family history is highly specific for a disease with a single genetic etiology.

Pathology and Clinical Laboratory Medicine, King Fahad Medical City
Classification: Likely pathogenic for Familial hypokalemia-hypomagnesemia. Review status: criteria provided, single submitter. Criteria: ACMG Guidelines, 2015. Collection method: clinical testing. Allele origin: germline. Affected: yes. Observed: 2 variant alleles.

Gharavi Laboratory, Columbia University
Classification: Likely pathogenic. Last evaluated: 2018-09-16. Review status: no assertion criteria provided. Criteria: ACMG Guidelines, 2015. Collection method: research. Allele origin: germline. Affected: yes. Not counted in ClinVar's aggregate classification.

Literature cited by the submitters: PubMed 20552229 (cited by 4 submitters); PubMed 27303630 (cited by 4 submitters); PubMed 22728489 (cited by 5 submitters); PubMed 32397528 (cited by OLLIN Analises Genomicas, OLLIN); PubMed 36806220 (cited by OLLIN Analises Genomicas, OLLIN); PubMed 28685938 (cited by OLLIN Analises Genomicas, OLLIN); PubMed 12112667 (cited by 3 submitters); PubMed 30596175 (cited by 5 submitters); PubMed 11168953 (cited by 4 submitters); PubMed 35628451 (cited by Women's Health and Genetics/Laboratory Corporation of America, LabCorp); PubMed 25422309 (cited by Women's Health and Genetics/Laboratory Corporation of America, LabCorp); PubMed 28700713 (cited by Variantyx, Inc.); PubMed 30586318 (cited by Variantyx, Inc.); PubMed 22990302 (cited by Division Of Personalized Genomic Medicine, Columbia University Irving Medical Center); PubMed 28251383 (cited by Division Of Personalized Genomic Medicine, Columbia University Irving Medical Center); PubMed 17699451 (cited by Division Of Personalized Genomic Medicine, Columbia University Irving Medical Center); PubMed 26770037 (cited by Division Of Personalized Genomic Medicine, Columbia University Irving Medical Center).